The following is an entry in ClinVar:

NM_024422.6(DSC2):c.1823_1828delinsATGACC (p.Phe608_Phe610delinsTyrAspLeu)

Gene: DSC2 (desmocollin 2; minus strand). Cytogenetic location: 18q12.1.
Variant type: Indel.
Coding change: c.1823_1828delinsATGACC on transcript NM_024422.6 (MANE Select); coding-DNA positions 1823 to 1828, TTGACT replaced by ATGACC.
Protein change: p.Phe608_Phe610delinsTyrAspLeu.
Molecular consequence: missense variant.
Genome position (GRCh38, 1-based): chr18:31,074,743-31,074,748, AGTCAA replaced by GGTCAT on the plus strand (TTGACT replaced by ATGACC on the coding strand, the reverse complement: DSC2 is on the minus strand). VCF-style: chr18-31074743-AGTCAA-GGTCAT. GRCh37 (hg19) VCF-style: chr18-28654709-AGTCAA-GGTCAT.
Other names: c.1823_1828delinsATGACC, p.Phe608_Phe610delinsTyrAspLeu (NM_004949.5).
Identifiers: ClinVar variation 1306348 (VCV001306348.2), dbSNP rs2144799644, ClinGen allele CA2573054640.

ClinVar aggregate classification (germline): Uncertain significance (1 of 4 stars; one submission).

Submission:

GeneDx
Classification: Uncertain significance. Last evaluated: 2019-06-04. Review status: criteria provided, single submitter. Criteria: GeneDx Variant Classification Process June 2021. Collection method: clinical testing. Allele origin: germline. Affected: yes.
Comment: Has not been previously published as pathogenic or benign to our knowledge; Not observed in large population cohorts (Lek et al., 2016); In silico analysis, which includes protein predictors and evolutionary conservation, supports a deleterious effect